The following is an entry in ClinVar:

NM_015466.4(PTPN23):c.3775C>G (p.Leu1259Val)

Gene: PTPN23 (protein tyrosine phosphatase non-receptor type 23; plus strand). Cytogenetic location: 3p21.31.
Variant type: single nucleotide variant.
Coding change: c.3775C>G on transcript NM_015466.4 (MANE Select); coding-DNA position 3775, C replaced by G.
Protein change: p.Leu1259Val; replaces leucine 1259 with valine.
Molecular consequence: missense variant.
Genome position (GRCh38, 1-based): chr3:47,411,573, C>G. VCF-style: chr3-47411573-C-G. GRCh37 (hg19) VCF-style: chr3-47453063-C-G.
Other names: c.3397C>G, p.Leu1133Val (NM_001304482.2); short protein forms L1259V, L1133V.
Identifiers: ClinVar variation 1376876 (VCV001376876.3), dbSNP rs775134565, ClinGen allele CA2366349.
Genomic context (GRCh38, chr3:47,411,573, plus strand): 5'-GGCAAGGATGACTACATCAATGCCAGCTGCGTGGAGGGGCTCTCCCCATACTGCCCCCCG[C>G]TAGTGGCAACCCAGGCCCCACTGCCTGGCACAGCTGCTGACTTCTGGCTCATGGTCCATG-3'
Protein context (NP_056281.1, residues 1249-1269): VEGLSPYCPP[Leu1259Val]VATQAPLPGT

ClinVar aggregate classification (germline): Uncertain significance (1 of 4 stars; one submission).

Allele frequency attached by ClinVar (database versions not stated): gnomAD exomes below 0.00001 and 0.00001; TOPMed below 0.00001; ExAC 0.00001.

Submission:

Labcorp Genetics (formerly Invitae), Labcorp
Classification: Uncertain significance. Last evaluated: 2021-08-22. Review status: criteria provided, single submitter. Criteria: Invitae Variant Classification Sherloc (09022015). Collection method: clinical testing. Allele origin: germline.
Comment: This sequence change replaces leucine with valine at codon 1259 of the PTPN23 protein (p.Leu1259Val). The leucine residue is weakly conserved and there is a small physicochemical difference between leucine and valine. This variant is present in population databases (rs775134565, ExAC 0.002%). This variant has not been reported in the literature in individuals affected with PTPN23-related conditions. Algorithms developed to predict the effect of missense changes on protein structure and function (SIFT, PolyPhen-2, Align-GVGD) all suggest that this variant is likely to be tolerated. Algorithms developed to predict the effect of sequence changes on RNA splicing suggest that this variant may create or strengthen a splice site. In summary, the available evidence is currently insufficient to determine the role of this variant in disease. Therefore, it has been classified as a Variant of Uncertain Significance.